The following is an entry in ClinVar:

ClinVar aggregate classification (germline): Uncertain significance (1 of 4 stars; one submission).

gnomAD v4.1: 1 of 1,614,214 alleles (0.000062%); highest among the groups gnomAD compares: Non-Finnish European, 0.000085%; no homozygotes.

Submission:

Labcorp Genetics (formerly Invitae), Labcorp
Classification: Uncertain significance. Last evaluated: 2025-09-13. Review status: criteria provided, single submitter. Criteria: Invitae Variant Classification Sherloc (09022015). Collection method: clinical testing. Allele origin: germline.
Comment: This sequence change replaces valine, which is neutral and non-polar, with leucine, which is neutral and non-polar, at codon 1043 of the DUOX2 protein (p.Val1043Leu). This variant is not present in population databases (gnomAD no frequency). This variant has not been reported in the literature in individuals affected with DUOX2-related conditions. Invitae Evidence Modeling of protein sequence and biophysical properties (such as structural, functional, and spatial information, amino acid conservation, physicochemical variation, residue mobility, and thermodynamic stability) indicates that this missense variant is not expected to disrupt DUOX2 protein function with a negative predictive value of 80%. In summary, the available evidence is currently insufficient to determine the role of this variant in disease. Therefore, it has been classified as a Variant of Uncertain Significance.

NM_001363711.2(DUOX2):c.3127G>T (p.Val1043Leu)

Gene: DUOX2 (dual oxidase 2; minus strand). Cytogenetic location: 15q21.1.
Variant type: single nucleotide variant.
Coding change: c.3127G>T on transcript NM_001363711.2 (MANE Select); coding-DNA position 3127, G replaced by T.
Protein change: p.Val1043Leu; replaces valine 1043 with leucine.
Molecular consequence: missense variant.
Genome position (GRCh38, 1-based): chr15:45,100,107, C>A on the plus strand (G>T on the coding strand, the complement: DUOX2 is on the minus strand). VCF-style: chr15-45100107-C-A. GRCh37 (hg19) VCF-style: chr15-45392305-C-A.
Other names: c.3127G>T, p.Val1043Leu (NM_014080.5); short protein forms V1043L.
Identifiers: ClinVar variation 4745227 (VCV004745227.1).
Genomic context (GRCh38, chr15:45,100,107, plus strand): 5'-TACAGTAAGCACGATCTGCAAACACGCCAACACAGATGGCCGAGAAGATTGCCACACACA[C>A]GATGTGCCTCCGGTAGTTCTCCACGAAGCGCTTGTACTGCTGCAGCTTTTGGGCTAGGAA-3'
Protein context (NP_001350640.1, residues 1033-1053): RFVENYRRHI[Val1043Leu]CVAIFSAICV